The following is an entry in ClinVar:

ClinVar aggregate classification (germline): Uncertain significance (1 of 4 stars; one submission).

Conditions:
NRP1-related disorder. Also called: NRP1-related condition.

Submission:

PreventionGenetics, part of Exact Sciences
Classification: Uncertain significance for NRP1-related condition. Last evaluated: 2025-07-03. Review status: criteria provided, single submitter. Criteria: ACMG Guidelines, 2015. Collection method: clinical testing. Allele origin: germline.
Comment: The NRP1 c.1064T>C variant is predicted to result in the amino acid substitution p.Val355Ala. To our knowledge, this variant has not been reported in the literature or in a large population database (gnomAD), indicating this variant is rare. At this time, the clinical significance of this variant is uncertain due to the absence of conclusive functional and genetic evidence.

NM_003873.7(NRP1):c.1064T>C (p.Val355Ala)

Gene: NRP1 (neuropilin 1; minus strand). Cytogenetic location: 10p11.22.
Variant type: single nucleotide variant.
Coding change: c.1064T>C on transcript NM_003873.7 (MANE Select); coding-DNA position 1064, T replaced by C.
Protein change: p.Val355Ala; replaces valine 355 with alanine.
Molecular consequence: missense variant. On other transcripts: non-coding transcript variant (1).
Genome position (GRCh38, 1-based): chr10:33,226,207, A>G on the plus strand (T>C on the coding strand, the complement: NRP1 is on the minus strand). VCF-style: chr10-33226207-A-G. GRCh37 (hg19) VCF-style: chr10-33515135-A-G.
Other names: c.1064T>C, p.Val355Ala (NM_001024628.3, NM_001024629.3, NM_001244972.2 and 2 more transcripts); short protein forms V355A.
Identifiers: ClinVar variation 5000785 (VCV005000785.1).
Genomic context (GRCh38, chr10:33,226,207, plus strand): 5'-CCTTCTTTTATGGTGATCCAGTCTTCCCCGTTGGAGCTAACGTCGATCTTGTAAGTCTTG[A>G]CATAATATTTCTTCTTGGTTTCTTTTGAAATGGCGCCCTGTGTCCCGACAGCCGTGACAA-3'
Protein context (NP_003864.5, residues 345-365): ISKETKKKYY[Val355Ala]KTYKIDVSSN